The following is an entry in ClinVar:

NM_024675.4:c.3501_3502ins[PX241361.1:g.1_290]

Gene: PALB2 (partner and localizer of BRCA2; minus strand).
Variant type: Insertion.
Other names: c.3501_3502ins[PX241361.1:g.1_290] (NM_024675.4).
Identifiers: ClinVar variation 4533211 (VCV004533211.1).

ClinVar aggregate classification (germline): Likely pathogenic (1 of 4 stars; one submission).

Conditions:
Hereditary cancer-predisposing syndrome. Also called: Tumor predisposition; Hereditary Cancer Syndrome; Hereditary neoplastic syndrome; Neoplastic Syndromes, Hereditary. Identifiers: Orphanet 140162, MedGen C0027672, MeSH D009386, MONDO:0015356.

Submission:

Molecular Diagnostics Laboratory, Catalan Institute of Oncology
Classification: Likely pathogenic for Hereditary cancer-predisposing syndrome. Last evaluated: 2025-05-23. Review status: criteria provided, single submitter. Criteria: ClinGen ACMG Specifications PALB2 V1.0.0. Collection method: clinical testing. Allele origin: germline. Inheritance: Autosomal dominant inheritance. Affected: yes.
Comment: c.3501_3502insAlu, located in exon 13 of the PALB2 gene, consists in the insertion of an Alu element of 290 nucleotides, causing a translational frameshift with a predicted alternate stop codon (p.(Asp1168Trpfs*32)). This alteration is expected to result in loss of function by premature protein truncation and nonsense-mediated mRNA decay (PVS1). It is not present in either of the population databases gnomAD v4.1.0 and gnomAD SVs v4.1.0 (PM2_supporting). The variant has not been reported in ClinVar or in LOVD databases. Based on the currently available information, c.3501_3502insAlu is classified as a likely pathogenic variant according to ClinGen Hereditary Breast, Ovarian and Pancreatic Cancer Expert Panel Specifications to the ACMG/AMP Variant Interpretation Guidelines for PALB2 v1.0.0.